The following is an entry in ClinVar:

NM_013336.4(SEC61A1):c.418C>A (p.Pro140Thr)

Gene: SEC61A1 (SEC61 translocon subunit alpha 1; plus strand). Cytogenetic location: 3q21.3.
Variant type: single nucleotide variant.
Coding change: c.418C>A on transcript NM_013336.4 (MANE Select); coding-DNA position 418, C replaced by A.
Protein change: p.Pro140Thr; replaces proline 140 with threonine.
Molecular consequence: missense variant.
Genome position (GRCh38, 1-based): chr3:128,060,167, C>A. VCF-style: chr3-128060167-C-A. GRCh37 (hg19) VCF-style: chr3-127779010-C-A.
Other names: c.436C>A, p.Pro146Thr (NM_001400328.1); c.259C>A, p.Pro87Thr (NM_001400329.1); short protein forms P87T, P146T, P140T.
Identifiers: ClinVar variation 2993605 (VCV002993605.3), dbSNP rs763729201, ClinGen allele CA2598396.

ClinVar aggregate classification (germline): Uncertain significance (1 of 4 stars; one submission).

Allele frequency attached by ClinVar (database versions not stated): gnomAD exomes below 0.00001; ExAC 0.00001.
gnomAD v4.1: 2 of 1,614,012 alleles (0.00012%); highest among the groups gnomAD compares: Admixed American, 0.0017%; no homozygotes.

Submission:

Labcorp Genetics (formerly Invitae), Labcorp
Classification: Uncertain significance. Last evaluated: 2023-04-15. Review status: criteria provided, single submitter. Criteria: Invitae Variant Classification Sherloc (09022015). Collection method: clinical testing. Allele origin: germline.
Comment: This sequence change replaces proline, which is neutral and non-polar, with threonine, which is neutral and polar, at codon 140 of the SEC61A1 protein (p.Pro140Thr). This variant is present in population databases (rs763729201, gnomAD 0.003%). This variant has not been reported in the literature in individuals affected with SEC61A1-related conditions. Advanced modeling of protein sequence and biophysical properties (such as structural, functional, and spatial information, amino acid conservation, physicochemical variation, residue mobility, and thermodynamic stability) performed at Invitae indicates that this missense variant is not expected to disrupt SEC61A1 protein function. In summary, the available evidence is currently insufficient to determine the role of this variant in disease. Therefore, it has been classified as a Variant of Uncertain Significance.